The following is an entry in ClinVar:

ClinVar aggregate classification (germline): Uncertain significance. Review status: criteria provided, multiple submitters, no conflicts (2 of 4 stars). 2 submissions from 2 submitters: Uncertain significance (2). Last evaluated 2023-01-06.

Conditions:
Inborn genetic diseases. Identifiers: MedGen C0950123, MeSH D030342.
Epilepsy. Also called: Seizure disorder. Identifiers: MedGen C0014544, MeSH D004827, MONDO:0005027.

Allele frequency attached by ClinVar (database versions not stated): TOPMed below 0.00001; gnomAD 0.00001; gnomAD exomes 0.00003.
gnomAD v4.1: 42 of 1,549,586 alleles (0.0027%); highest among the groups gnomAD compares: Non-Finnish European, 0.0036%; no homozygotes.

Submissions (2):

Ambry Genetics
Classification: Uncertain significance for Inborn genetic diseases. Last evaluated: 2023-01-06. Review status: criteria provided, single submitter. Criteria: Ambry Variant Classification Scheme 2023. Collection method: clinical testing. Allele origin: germline.

Labcorp Genetics (formerly Invitae), Labcorp
Classification: Uncertain significance for Epilepsy. Last evaluated: 2022-07-18. Review status: criteria provided, single submitter. Criteria: Invitae Variant Classification Sherloc (09022015). Collection method: clinical testing. Allele origin: germline.
Comment: This sequence change replaces glycine, which is neutral and non-polar, with serine, which is neutral and polar, at codon 289 of the PIGQ protein (p.Gly289Ser). The frequency data for this variant in the population databases is considered unreliable, as metrics indicate poor data quality at this position in the gnomAD database. This variant has not been reported in the literature in individuals affected with PIGQ-related conditions. Algorithms developed to predict the effect of missense changes on protein structure and function are either unavailable or do not agree on the potential impact of this missense change (SIFT: "Deleterious"; PolyPhen-2: "Probably Damaging"; Align-GVGD: "Class C0"). In summary, the available evidence is currently insufficient to determine the role of this variant in disease. Therefore, it has been classified as a Variant of Uncertain Significance.

NM_004204.5(PIGQ):c.865G>A (p.Gly289Ser)

Gene: PIGQ (phosphatidylinositol glycan anchor biosynthesis class Q; plus strand). Cytogenetic location: 16p13.3.
Variant type: single nucleotide variant.
Coding change: c.865G>A on transcript NM_004204.5 (MANE Select); coding-DNA position 865, G replaced by A.
Protein change: p.Gly289Ser; replaces glycine 289 with serine.
Molecular consequence: missense variant.
Genome position (GRCh38, 1-based): chr16:576,177, G>A. VCF-style: chr16-576177-G-A. GRCh37 (hg19) VCF-style: chr16-626177-G-A.
Other names: c.865G>A, p.Gly289Ser (NM_148920.4); c.865G>A (NM_148920.1); short protein forms G289S.
Identifiers: ClinVar variation 1980784 (VCV001980784.3), dbSNP rs960501850, ClinGen allele CA276483279.